The following is an entry in ClinVar:

NM_001134407.3(GRIN2A):c.1509del (p.Gln503fs)

Gene: GRIN2A (glutamate ionotropic receptor NMDA type subunit 2A; minus strand). Cytogenetic location: 16p13.2.
Variant type: Deletion.
Coding change: c.1509del on transcript NM_001134407.3 (MANE Select); coding-DNA position 1509, one base deleted (A; older notation c.1509delA).
Protein change: p.Gln503fs; shifts the reading frame from glutamine 503.
Molecular consequence: frameshift variant.
Genome position (GRCh38, 1-based): chr16:9,840,789, T deleted on the plus strand (A on the coding strand, the reverse complement: GRIN2A is on the minus strand); the first of 2 consecutive T bases (chr16:9,840,789-9,840,790); deleting either gives the same sequence. VCF-style (leftmost placement, unchanged base first): chr16-9840788-GT-G. GRCh37 (hg19) VCF-style: chr16-9934645-GT-G.
Other names: c.1509del, p.Gln503fs (NM_000833.5, NM_001134408.2); short protein forms Q503fs.
Identifiers: ClinVar variation 2603732 (VCV002603732.2), dbSNP rs2542832684, ClinGen allele CA2582342503.

ClinVar aggregate classification (germline): Pathogenic (1 of 4 stars; one submission).

Conditions:
Inborn genetic diseases. Identifiers: MedGen C0950123, MeSH D030342.

Submission:

Ambry Genetics
Classification: Pathogenic for Inborn genetic diseases. Last evaluated: 2023-06-22. Review status: criteria provided, single submitter. Criteria: Ambry Variant Classification Scheme 2023. Collection method: clinical testing. Allele origin: germline.
Comment: The c.1509delA (p.Q503Hfs*48) alteration, located in exon 8 (coding exon 6) of the GRIN2A gene, consists of a deletion of one nucleotide at position 1509, causing a translational frameshift with a predicted alternate stop codon after 48 amino acids. This alteration is expected to result in loss of function by premature protein truncation or nonsense-mediated mRNA decay. This variant was not reported in population-based cohorts in the Genome Aggregation Database (gnomAD). Based on the available evidence, this alteration is classified as pathogenic.